The following is an entry in ClinVar:

NM_020831.6(MRTFA):c.3039C>G (p.Phe1013Leu)

Gene: MRTFA (myocardin related transcription factor A; minus strand). Cytogenetic location: 22q13.1.
Variant type: single nucleotide variant.
Coding change: c.3039C>G on transcript NM_020831.6 (MANE Select); coding-DNA position 3039, C replaced by G.
Protein change: p.Phe1013Leu; replaces phenylalanine 1013 with leucine.
Molecular consequence: missense variant. On other transcripts: 3 prime UTR variant (1).
Genome position (GRCh38, 1-based): chr22:40,411,447, G>C on the plus strand (C>G on the coding strand, the complement: MRTFA is on the minus strand). VCF-style: chr22-40411447-G-C. GRCh37 (hg19) VCF-style: chr22-40807451-G-C.
Other names: c.2739C>G, p.Phe913Leu (NM_001282660.2); c.2889C>G, p.Phe963Leu (NM_001282661.3); c.*352C>G (NM_001282662.3); c.2844C>G, p.Phe948Leu (NM_001318139.2); short protein forms F1013L, F963L, F913L, F948L.
Identifiers: ClinVar variation 2023496 (VCV002023496.4), dbSNP rs754792347, ClinGen allele CA411651162.

ClinVar aggregate classification (germline): Uncertain significance (1 of 4 stars; one submission).

Submission:

Labcorp Genetics (formerly Invitae), Labcorp
Classification: Uncertain significance. Last evaluated: 2022-08-10. Review status: criteria provided, single submitter. Criteria: Invitae Variant Classification Sherloc (09022015). Collection method: clinical testing. Allele origin: germline.
Comment: In summary, the available evidence is currently insufficient to determine the role of this variant in disease. Therefore, it has been classified as a Variant of Uncertain Significance. Algorithms developed to predict the effect of missense changes on protein structure and function are either unavailable or do not agree on the potential impact of this missense change (SIFT: "Deleterious"; PolyPhen-2: "Probably Damaging"; Align-GVGD: "Class C15"). This variant has not been reported in the literature in individuals affected with MKL1-related conditions. This variant is not present in population databases (gnomAD no frequency). This sequence change replaces phenylalanine, which is neutral and non-polar, with leucine, which is neutral and non-polar, at codon 913 of the MKL1 protein (p.Phe913Leu).